The following is an entry in ClinVar:

ClinVar aggregate classification (germline): Uncertain significance (1 of 4 stars; one submission).

Conditions:
Perlman syndrome (PRLMNS). Identifiers: Orphanet 2849, MedGen C0796113, MONDO:0009965, OMIM 267000.

Allele frequency attached by ClinVar (database versions not stated): TOPMed below 0.00001; gnomAD 0.00001; gnomAD exomes 0.00004 and 0.00008; ExAC 0.00008.

Submission:

Labcorp Genetics (formerly Invitae), Labcorp
Classification: Uncertain significance for Perlman syndrome. Last evaluated: 2024-01-28. Review status: criteria provided, single submitter. Criteria: Invitae Variant Classification Sherloc (09022015). Collection method: clinical testing. Allele origin: germline.
Comment: This sequence change replaces histidine, which is basic and polar, with tyrosine, which is neutral and polar, at codon 520 of the DIS3L2 protein (p.His520Tyr). This variant is present in population databases (rs754758499, gnomAD 0.06%). This variant has not been reported in the literature in individuals affected with DIS3L2-related conditions. ClinVar contains an entry for this variant (Variation ID: 1415715). Advanced modeling of protein sequence and biophysical properties (such as structural, functional, and spatial information, amino acid conservation, physicochemical variation, residue mobility, and thermodynamic stability) performed at Invitae indicates that this missense variant is not expected to disrupt DIS3L2 protein function with a negative predictive value of 80%. In summary, the available evidence is currently insufficient to determine the role of this variant in disease. Therefore, it has been classified as a Variant of Uncertain Significance.

NM_152383.5(DIS3L2):c.1558C>T (p.His520Tyr)

Gene: DIS3L2 (DIS3 like 3'-5' exoribonuclease 2; plus strand). Cytogenetic location: 2q37.1.
Variant type: single nucleotide variant.
Coding change: c.1558C>T on transcript NM_152383.5 (MANE Select); coding-DNA position 1558, C replaced by T.
Protein change: p.His520Tyr; replaces histidine 520 with tyrosine.
Molecular consequence: missense variant. On other transcripts: non-coding transcript variant (2).
Genome position (GRCh38, 1-based): chr2:232,263,339, C>T. VCF-style: chr2-232263339-C-T. GRCh37 (hg19) VCF-style: chr2-233128049-C-T.
Other names: c.1558C>T, p.His520Tyr (NM_001257281.2); short protein forms H520Y.
Identifiers: ClinVar variation 1415715 (VCV001415715.6), dbSNP rs754758499, ClinGen allele CA2164188.